The following is an entry in ClinVar:

ClinVar aggregate classification (germline): Uncertain significance (1 of 4 stars; one submission).

gnomAD v4.1: 1 of 1,534,750 alleles (0.000065%); highest among the groups gnomAD compares: Non-Finnish European, 0.000087%; no homozygotes.

Submission:

Dasa
Classification: Uncertain significance. Last evaluated: 2025-08-06. Review status: criteria provided, single submitter. Criteria: DASA Assertion Criteria. Collection method: clinical testing. Allele origin: germline.
Comment: NM_001378183.1(PIEZO2):c.4322G>A (p.Ser1441Asn) is a missense variant that results in the substitution of serine with asparagine. This variant is rare in population databases. Computational prediction algorithms are consistent with a benign effect. The currently available literature and clinical evidence are not sufficient to establish a definitive association between this variant and the reported condition. Therefore, this variant is classified as a variant of uncertain significance.

NM_001378183.1(PIEZO2):c.4322G>A (p.Ser1441Asn)

Gene: PIEZO2 (piezo type mechanosensitive ion channel component 2; minus strand). Cytogenetic location: 18p11.22.
Variant type: single nucleotide variant.
Coding change: c.4322G>A on transcript NM_001378183.1 (MANE Select); coding-DNA position 4322, G replaced by A.
Protein change: p.Ser1441Asn; replaces serine 1441 with asparagine.
Molecular consequence: missense variant.
Genome position (GRCh38, 1-based): chr18:10,748,573, C>T on the plus strand (G>A on the coding strand, the complement: PIEZO2 is on the minus strand). VCF-style: chr18-10748573-C-T. GRCh37 (hg19) VCF-style: chr18-10748571-C-T.
Other names: c.4322G>A, p.Ser1441Asn (NM_001410871.1); c.4247G>A, p.Ser1416Asn (NM_022068.4); short protein forms S1416N, S1441N.
Identifiers: ClinVar variation 5020897 (VCV005020897.1).
Genomic context (GRCh38, chr18:10,748,573, plus strand): 5'-TGTAGAAAATAATAACTCATGAAAACTCTTCTTTGCAGCAGGAGGAAGGCAAAACATATG[C>T]TGTCCCAAATGATTCCTGCTTCCCCACTGGGAAGTGTACAGGGTGAATTAGCAGCAGCTA-3'
Protein context (NP_001365112.1, residues 1431-1451): PSGEAGIIWD[Ser1441Asn]ICFAFLLLQR